The following is an entry in ClinVar:

ClinVar aggregate classification (germline): Uncertain significance (1 of 4 stars; one submission).

Submission:

GeneDx
Classification: Uncertain significance. Last evaluated: 2024-02-12. Review status: criteria provided, single submitter. Criteria: GeneDx Variant Classification Process June 2021. Collection method: clinical testing. Allele origin: germline. Affected: yes.
Comment: Not observed at significant frequency in large population cohorts (gnomAD); In silico analysis supports that this missense variant has a deleterious effect on protein structure/function; Has not been previously published as pathogenic or benign to our knowledge

NM_004663.5(RAB11A):c.29A>C (p.Tyr10Ser)

Gene: RAB11A (RAB11A, member RAS oncogene family; plus strand). Cytogenetic location: 15q22.31.
Variant type: single nucleotide variant.
Coding change: c.29A>C on transcript NM_004663.5 (MANE Select); coding-DNA position 29, A replaced by C.
Protein change: p.Tyr10Ser; replaces tyrosine 10 with serine.
Molecular consequence: missense variant.
Genome position (GRCh38, 1-based): chr15:65,869,614, A>C. VCF-style: chr15-65869614-A-C. GRCh37 (hg19) VCF-style: chr15-66161952-A-C.
Other names: c.29A>C, p.Tyr10Ser (NM_001206836.2); short protein forms Y10S.
Identifiers: ClinVar variation 3369151 (VCV003369151.1).